The following is an entry in ClinVar:

ClinVar aggregate classification (germline): Uncertain significance (1 of 4 stars; one submission).

Submission:

CeGaT Center for Human Genetics Tuebingen
Classification: Uncertain significance. Last evaluated: 2024-07-01. Review status: criteria provided, single submitter. Criteria: CeGaT Center For Human Genetics Tuebingen Variant Classification Criteria Version 2. Collection method: clinical testing. Allele origin: germline. Affected: yes. Observed: 1 variant allele.
Comment: CCND2: PM2

NM_001759.4(CCND2):c.122G>A (p.Cys41Tyr)

Genes: CCND2 (cyclin D2; plus strand), CCND2-AS1 (CCND2 antisense RNA 1; minus strand). Cytogenetic location: 12p13.32.
Variant type: single nucleotide variant.
Coding change: c.122G>A on transcript NM_001759.4 (MANE Select); coding-DNA position 122, G replaced by A.
Protein change: p.Cys41Tyr; replaces cysteine 41 with tyrosine.
Molecular consequence: missense variant.
Genome position (GRCh38, 1-based): chr12:4,274,162, G>A. VCF-style: chr12-4274162-G-A. GRCh37 (hg19) VCF-style: chr12-4383328-G-A.
Other names: short protein forms C41Y.
Identifiers: ClinVar variation 3257387 (VCV003257387.17).
Genomic context (GRCh38, chr12:4,274,162, plus strand): 5'-TCCGAGACGACCGCGTCCTGCAGAACCTGCTCACCATCGAGGAGCGCTACCTTCCGCAGT[G>A]CTCCTACTTCAAGTGCGTGCAGAAGGACATCCAACCCTACATGCGCAGAATGGTGGCCAC-3'
Protein context (NP_001750.1, residues 31-51): LTIEERYLPQ[Cys41Tyr]SYFKCVQKDI